The following is an entry in ClinVar:

NM_001122681.2(SH3BP2):c.432C>G (p.Asp144Glu)

Gene: SH3BP2 (SH3 domain binding protein 2; plus strand). Cytogenetic location: 4p16.3.
Variant type: single nucleotide variant.
Coding change: c.432C>G on transcript NM_001122681.2 (MANE Select); coding-DNA position 432, C replaced by G.
Protein change: p.Asp144Glu; replaces aspartic acid 144 with glutamic acid.
Molecular consequence: missense variant.
Genome position (GRCh38, 1-based): chr4:2,827,233, C>G. VCF-style: chr4-2827233-C-G. GRCh37 (hg19) VCF-style: chr4-2828960-C-G.
Other names: c.516C>G, p.Asp172Glu (NM_001145855.2); c.603C>G, p.Asp201Glu (NM_001145856.2); c.432C>G, p.Asp144Glu (NM_003023.4); short protein forms D144E, D172E, D201E.
Identifiers: ClinVar variation 1908841 (VCV001908841.6), dbSNP rs1376901365, ClinGen allele CA356054369.
Genomic context (GRCh38, chr4:2,827,233, plus strand): 5'-CAAGGGACCTCCCAGGCCTGGTGCTCACCGTCCGCCCCAACGCACCCTGCATTGCAGCGA[C>G]TCCAGCTCGGACACAGACAGCTTCTACGGCGCAGTTGAGCGGCCTGTGGATATCAGCCTT-3'
Protein context (NP_001116153.1, residues 134-154): EKKDLPLDTS[Asp144Glu]SSSDTDSFYG

ClinVar aggregate classification (germline): Uncertain significance. Review status: criteria provided, multiple submitters, no conflicts (2 of 4 stars). 2 submissions from 2 submitters: Uncertain significance (2). Last evaluated 2022-08-20.

Conditions:
Fibrous dysplasia of jaw (CRBM). Also called: Cherubism. Identifiers: Orphanet 184, MedGen C0008029, MONDO:0007315, OMIM 118400.
Inborn genetic diseases. Identifiers: MedGen C0950123, MeSH D030342.

Allele frequency attached by ClinVar (database versions not stated): TOPMed below 0.00001; gnomAD 0.00001; gnomAD exomes 0.00001.
gnomAD v4.1: 5 of 1,614,004 alleles (0.00031%); highest among the groups gnomAD compares: Admixed American, 0.0083%; no homozygotes.

Submissions (2):

Labcorp Genetics (formerly Invitae), Labcorp
Classification: Uncertain significance for Fibrous dysplasia of jaw. Last evaluated: 2022-08-20. Review status: criteria provided, single submitter. Criteria: Invitae Variant Classification Sherloc (09022015). Collection method: clinical testing. Allele origin: germline.
Comment: This sequence change replaces aspartic acid, which is acidic and polar, with glutamic acid, which is acidic and polar, at codon 144 of the SH3BP2 protein (p.Asp144Glu). This variant is present in population databases (no rsID available, gnomAD 0.009%). This variant has not been reported in the literature in individuals affected with SH3BP2-related conditions. Algorithms developed to predict the effect of missense changes on protein structure and function are either unavailable or do not agree on the potential impact of this missense change (SIFT: "Tolerated"; PolyPhen-2: "Possibly Damaging"; Align-GVGD: "Class C0"). In summary, the available evidence is currently insufficient to determine the role of this variant in disease. Therefore, it has been classified as a Variant of Uncertain Significance.

Ambry Genetics
Classification: Uncertain significance for Inborn genetic diseases. Last evaluated: 2022-08-01. Review status: criteria provided, single submitter. Criteria: Ambry Variant Classification Scheme 2023. Collection method: clinical testing. Allele origin: germline.